The following is an entry in ClinVar:

ClinVar aggregate classification (germline): Likely benign (0 of 4 stars; one submission).

Conditions:
TRMU-related disorder. Also called: TRMU-related condition.

gnomAD v4.1: 2 of 1,613,834 alleles (0.00012%); highest among the groups gnomAD compares: Middle Eastern, 0.033%; no homozygotes.

Submission:

PreventionGenetics, part of Exact Sciences
Classification: Likely benign for TRMU-related condition. Last evaluated: 2024-04-17. Review status: no assertion criteria provided. Collection method: clinical testing. Allele origin: germline.
Comment: This variant is classified as likely benign based on ACMG/AMP sequence variant interpretation guidelines (Richards et al. 2015 PMID: 25741868, with internal and published modifications).

NM_018006.5(TRMU):c.248+10G>A

Gene: TRMU (tRNA mitochondrial 2-thiouridylase; plus strand). Cytogenetic location: 22q13.31.
Variant type: single nucleotide variant.
Coding change: c.248+10G>A on transcript NM_018006.5 (MANE Select); 10 bases into the intron after coding-DNA position 248, G replaced by A.
Molecular consequence: intron variant.
Genome position (GRCh38, 1-based): chr22:46,337,954, G>A. VCF-style: chr22-46337954-G-A. GRCh37 (hg19) VCF-style: chr22-46733851-G-A.
Other names: c.248+10G>A (NM_001282785.2); c.13+10G>A (NM_001282782.2); c.-7+10G>A (NM_001282783.2, NM_001282784.2).
Identifiers: ClinVar variation 3348316 (VCV003348316.1).